The following is an entry in ClinVar:

GRCh37/hg19 7q11.23(chr7:72718278-74143240)x1

Genes: ABHD11 (abhydrolase domain containing 11; minus strand), ABHD11-AS1 (ABHD11 antisense RNA 1 (tail to tail); plus strand), BAZ1B (bromodomain adjacent to zinc finger domain 1B; minus strand), BCL7B (BAF chromatin remodeling complex subunit BCL7B; minus strand), BUD23 (BUD23 rRNA methyltransferase and ribosome maturation factor; plus strand) and 22 more. Cytogenetic location: 7q11.23.
Variant type: copy number loss.
Change: copy number 1 (one copy instead of two) of chr7:72,718,278-74,143,240 (1.42 Mb, GRCh37 coordinates, 1-based), cytogenetic band 7q11.23.
Identifiers: ClinVar variation 1808638 (VCV001808638.1).

ClinVar aggregate classification (germline): Pathogenic (1 of 4 stars; one submission).

Submission:

Quest Diagnostics Nichols Institute San Juan Capistrano
Classification: Pathogenic. Last evaluated: 2022-04-16. Review status: criteria provided, single submitter. Criteria: ACMG/ClinGen CNV Guidelines, 2019. Collection method: clinical testing. Allele origin: unknown.
Comment: This copy number loss involves a number of genes, including ELN and LIMK1, and is expected to cause phenotypic and developmental abnormalities consistent with Williams-Beuren syndrome (OMIM 194050). Typical features include congenital heart defects, mainly supravalvular aortic stenosis, mild to moderate intellectual disability, distinctive facial features, and unique behavioral characteristics. See GeneReviews for additional information and references.